The following is an entry in ClinVar:

NM_017635.5(KMT5B):c.384G>A (p.Arg128=)

Gene: KMT5B (lysine methyltransferase 5B; minus strand). Cytogenetic location: 11q13.2.
Variant type: single nucleotide variant.
Coding change: c.384G>A on transcript NM_017635.5 (MANE Select); coding-DNA position 384, G replaced by A.
Protein change: p.Arg128=; no amino-acid change (arginine 128 retained).
Molecular consequence: synonymous variant. On other transcripts: 5 prime UTR variant (9), non-coding transcript variant (3).
Genome position (GRCh38, 1-based): chr11:68,175,177, C>T on the plus strand (G>A on the coding strand, the complement: KMT5B is on the minus strand). VCF-style: chr11-68175177-C-T. GRCh37 (hg19) VCF-style: chr11-67942644-C-T.
Other names: c.171G>A, p.Arg57= (NM_001369425.1); c.384G>A, p.Arg128= (NM_001369426.1, NM_001369427.1, NM_016028.4 and 1 more transcripts); c.-133G>A (NM_001369428.1, NM_001369429.1, NM_001369430.1 and 5 more transcripts); c.-284G>A (NM_001300908.2); c.315G>A, p.Arg105= (NM_001300909.2).
Identifiers: ClinVar variation 754457 (VCV000754457.28), dbSNP rs140940573, ClinGen allele CA6148429.
Genomic context (GRCh38, chr11:68,175,177, plus strand): 5'-TTCATCTTTCTTAAAACGTTCAATTACTTCCTTTAGTTCTTCCTGCCTTCCTTTAATAGG[C>T]CTAAATCTGAAAGAAATCAAAAGAATGAATGGGTTATCTGCCACAATCCTTGCGCCACTG-3'
Protein context (NP_060105.3, residues 118-138): SFSHNNPVRF[Arg128=]PIKGRQEELK

ClinVar aggregate classification (germline): Benign/Likely benign. Review status: criteria provided, multiple submitters, no conflicts (2 of 4 stars). 3 submissions from 3 submitters: Benign (1); Likely benign (1). 1 of the submissions does not count toward it. Last evaluated 2023-01-01.

Conditions:
KMT5B-related disorder. Also called: KMT5B-related condition.

Allele frequency attached by ClinVar (database versions not stated): gnomAD exomes 0.00009 and 0.00023; ExAC 0.00029; gnomAD 0.00084 and 0.00088; ESP Exome Variant Server 0.00085; TOPMed 0.00091; 1000 Genomes Project 30x 0.00109; 1000 Genomes Project 0.00120.
gnomAD v4.1: 269 of 1,610,552 alleles (0.017%); highest among the groups gnomAD compares: African/African-American, 0.33%; no homozygotes.

Submissions (3):

CeGaT Center for Human Genetics Tuebingen
Classification: Likely benign. Last evaluated: 2023-01-01. Review status: criteria provided, single submitter. Criteria: CeGaT Center For Human Genetics Tuebingen Variant Classification Criteria Version 2. Collection method: clinical testing. Allele origin: germline. Affected: yes. Observed: 1 variant allele.
Comment: KMT5B: BP4, BP7

Labcorp Genetics (formerly Invitae), Labcorp
Classification: Benign. Last evaluated: 2018-12-20. Review status: criteria provided, single submitter. Criteria: Invitae Variant Classification Sherloc (09022015). Collection method: clinical testing. Allele origin: germline.

PreventionGenetics, part of Exact Sciences
Classification: Likely benign for KMT5B-related condition. Last evaluated: 2022-02-11. Review status: no assertion criteria provided. Collection method: clinical testing. Allele origin: germline. Not counted in ClinVar's aggregate classification.
Comment: This variant is classified as likely benign based on ACMG/AMP sequence variant interpretation guidelines (Richards et al. 2015 PMID: 25741868, with internal and published modifications).